The following is an entry in ClinVar:

ClinVar aggregate classification (germline): Uncertain significance (1 of 4 stars; one submission).

Conditions:
Autosomal recessive limb-girdle muscular dystrophy type 2J (LGMDR10). Also called: MUSCULAR DYSTROPHY, LIMB-GIRDLE, AUTOSOMAL RECESSIVE 10; Limb-girdle muscular dystrophy, type 2J. Identifiers: Orphanet 140922, MedGen C1837342, MONDO:0012127, OMIM 608807.
Dilated cardiomyopathy 1G (CMD1G). Identifiers: Orphanet 154, MedGen C1858763, MONDO:0011400, OMIM 604145.

Submission:

Labcorp Genetics (formerly Invitae), Labcorp
Classification: Uncertain significance for Dilated cardiomyopathy 1G; Autosomal recessive limb-girdle muscular dystrophy type 2J. Last evaluated: 2025-10-13. Review status: criteria provided, single submitter. Criteria: Invitae Variant Classification Sherloc (09022015). Collection method: clinical testing. Allele origin: germline.
Comment: This sequence change replaces isoleucine, which is neutral and non-polar, with methionine, which is neutral and non-polar, at codon 35892 of the TTN protein (p.Ile35892Met). This variant is not present in population databases (gnomAD no frequency). This variant has not been reported in the literature in individuals affected with TTN-related conditions. Experimental studies and prediction algorithms are not available or were not evaluated, and the functional significance of this variant is currently unknown. This variant is located in the M band of TTN (PMID: 25589632). Non-truncating variants in this region may be relevant for neuromuscular disorders, but have not been definitively shown to cause cardiomyopathy (PMID: 23975875). In summary, the available evidence is currently insufficient to determine the role of this variant in disease. Therefore, it has been classified as a Variant of Uncertain Significance.

Literature cited by the submitters: PubMed 25589632; PubMed 23975875.

NM_001267550.2(TTN):c.107676A>G (p.Ile35892Met)

Genes: TTN-AS1 (TTN antisense RNA 1; plus strand), TTN (titin; minus strand). Cytogenetic location: 2q31.2.
Variant type: single nucleotide variant.
Coding change: c.107676A>G on transcript NM_001267550.2 (MANE Select); coding-DNA position 107676, A replaced by G.
Protein change: p.Ile35892Met; replaces isoleucine 35892 with methionine.
Molecular consequence: missense variant.
Genome position (GRCh38, 1-based): chr2:178,527,450, T>C on the plus strand (A>G on the coding strand, the complement: TTN is on the minus strand). VCF-style: chr2-178527450-T-C. GRCh37 (hg19) VCF-style: chr2-179392177-T-C.
Other names: c.102753A>G, p.Ile34251Met (NM_001256850.1); c.80481A>G, p.Ile26827Met (NM_003319.4); c.99972A>G, p.Ile33324Met (NM_133378.4); c.80856A>G, p.Ile26952Met (NM_133432.3); c.81057A>G, p.Ile27019Met (NM_133437.4); short protein forms I27019M, I34251M, I26827M, I26952M, I33324M, I35892M.
Identifiers: ClinVar variation 4793230 (VCV004793230.1).